The following is an entry in ClinVar:

ClinVar aggregate classification (germline): Likely pathogenic (1 of 4 stars; one submission).

Conditions:
Developmental and epileptic encephalopathy, 44 (DEE44). Also called: Epileptic encephalopathy, early infantile, 44. Identifiers: MedGen C4310700, MONDO:0014933, OMIM 617132.

Submission:

Laboratoire Génétique Moléculaire, CHRU TOURS
Classification: Likely pathogenic for Developmental and epileptic encephalopathy, 44. Last evaluated: 2024-03-14. Review status: criteria provided, single submitter. Criteria: ACMG Guidelines, 2015. Collection method: clinical testing. Allele origin: maternal. Affected: yes.
Comment: PM2;PM3;PP3;PP4

NM_024818.6(UBA5):c.388G>C (p.Ala130Pro)

Genes: NPHP3-ACAD11 (NPHP3-ACAD11 readthrough (NMD candidate); minus strand), UBA5 (ubiquitin like modifier activating enzyme 5; plus strand). Cytogenetic location: 3q22.1.
Variant type: single nucleotide variant.
Coding change: c.388G>C on transcript NM_024818.6 (MANE Select); coding-DNA position 388, G replaced by C.
Protein change: p.Ala130Pro; replaces alanine 130 with proline.
Molecular consequence: missense variant.
Genome position (GRCh38, 1-based): chr3:132,668,908, G>C. VCF-style: chr3-132668908-G-C. GRCh37 (hg19) VCF-style: chr3-132387752-G-C.
Other names: c.220G>C, p.Ala74Pro (NM_001320210.2, NM_198329.4); c.118G>C, p.Ala40Pro (NM_001321238.2); c.52G>C, p.Ala18Pro (NM_001321239.1); short protein forms A18P, A40P, A74P, A130P.
Identifiers: ClinVar variation 4294373 (VCV004294373.1).